The following is an entry in ClinVar:

NM_000064.4(C3):c.3238G>A (p.Ala1080Thr)

Gene: C3 (complement C3; minus strand). Cytogenetic location: 19p13.3.
Variant type: single nucleotide variant.
Coding change: c.3238G>A on transcript NM_000064.4 (MANE Select); coding-DNA position 3238, G replaced by A.
Protein change: p.Ala1080Thr; replaces alanine 1080 with threonine.
Molecular consequence: missense variant.
Genome position (GRCh38, 1-based): chr19:6,693,076, C>T on the plus strand (G>A on the coding strand, the complement: C3 is on the minus strand). VCF-style: chr19-6693076-C-T. GRCh37 (hg19) VCF-style: chr19-6693087-C-T.
Other names: short protein forms A1080T.
Identifiers: ClinVar variation 3707418 (VCV003707418.2).

ClinVar aggregate classification (germline): Uncertain significance (1 of 4 stars; one submission).

gnomAD v4.1: 3 of 1,613,968 alleles (0.00019%); highest among the groups gnomAD compares: Non-Finnish European, 0.00025%; no homozygotes.

Submission:

Labcorp Genetics (formerly Invitae), Labcorp
Classification: Uncertain significance. Last evaluated: 2026-01-25. Review status: criteria provided, single submitter. Criteria: Invitae Variant Classification Sherloc (09022015). Collection method: clinical testing. Allele origin: germline.
Comment: This sequence change replaces alanine, which is neutral and non-polar, with threonine, which is neutral and polar, at codon 1080 of the C3 protein (p.Ala1080Thr). This variant is not present in population databases (gnomAD no frequency). This variant has not been reported in the literature in individuals affected with C3-related conditions. ClinVar contains an entry for this variant (Variation ID: 3707418). Invitae Evidence Modeling of protein sequence and biophysical properties (such as structural, functional, and spatial information, amino acid conservation, physicochemical variation, residue mobility, and thermodynamic stability) indicates that this missense variant is expected to disrupt C3 protein function with a positive predictive value of 80%. In summary, the available evidence is currently insufficient to determine the role of this variant in disease. Therefore, it has been classified as a Variant of Uncertain Significance.